The following is an entry in ClinVar:

NM_001369.3(DNAH5):c.13131dup (p.Glu4378fs)

Gene: DNAH5 (dynein axonemal heavy chain 5; minus strand). Cytogenetic location: 5p15.2.
Variant type: Duplication.
Coding change: c.13131dup on transcript NM_001369.3 (MANE Select); coding-DNA position 13131, one base duplicated (A; older notation c.13131dupA).
Protein change: p.Glu4378fs; shifts the reading frame from glutamic acid 4378.
Molecular consequence: frameshift variant.
Genome position (GRCh38, 1-based): chr5:13,708,330, T duplicated on the plus strand (A on the coding strand, the reverse complement: DNAH5 is on the minus strand); the first of 4 consecutive T bases (chr5:13,708,330-13,708,333); duplicating any one gives the same sequence. VCF-style (leftmost placement, unchanged base first): chr5-13708329-C-CT. GRCh37 (hg19) VCF-style: chr5-13708438-C-CT.
Other names: short protein forms E4378fs.
Identifiers: ClinVar variation 4531969 (VCV004531969.1).

ClinVar aggregate classification (germline): Pathogenic (1 of 4 stars; one submission).

Conditions:
Primary ciliary dyskinesia 3. Identifiers: Orphanet 244, MedGen C1837618, MONDO:0012085, OMIM 608644.

Submission:

Victorian Clinical Genetics Services, Murdoch Childrens Research Institute
Classification: Pathogenic for Primary ciliary dyskinesia 3. Last evaluated: 2024-10-18. Review status: criteria provided, single submitter. Criteria: ACMG Guidelines, 2015. Collection method: clinical testing. Allele origin: germline. Affected: yes.
Comment: This variant is classified as Pathogenic. Evidence in support of pathogenic classification: Variant is predicted to cause nonsense-mediated decay (NMD) and loss of protein (premature termination codon is located at least 54 nucleotides upstream of the final exon-exon junction); Variant is absent from gnomAD (v2, v3 and v4); Other NMD-predicted variant(s) comparable to the one identified in this case have very strong previous evidence for pathogenicity (DECIPHER). Additional information: This variant is heterozygous; This gene is associated with autosomal recessive disease; This variant has no previous evidence of pathogenicity; No published segregation evidence has been identified for this variant; No published functional evidence has been identified for this variant; Loss of function is a known mechanism of disease in this gene and is associated with primary ciliary dyskinesia 3, with or without situs inversus (MIM#608644); Inheritance information for this variant is not currently available in this individual.